The following is an entry in ClinVar:

NM_014629.4(ARHGEF10):c.1528A>G (p.Thr510Ala)

Gene: ARHGEF10 (Rho guanine nucleotide exchange factor 10; plus strand). Cytogenetic location: 8p23.3.
Variant type: single nucleotide variant.
Coding change: c.1528A>G on transcript NM_014629.4 (MANE Select); coding-DNA position 1528, A replaced by G.
Protein change: p.Thr510Ala; replaces threonine 510 with alanine.
Molecular consequence: missense variant.
Genome position (GRCh38, 1-based): chr8:1,896,420, A>G. VCF-style: chr8-1896420-A-G. GRCh37 (hg19) VCF-style: chr8-1844586-A-G.
Other names: c.1414A>G, p.Thr472Ala (NM_001308152.2); c.1531A>G, p.Thr511Ala (NM_001308153.3); c.1528A>G (NM_014629.3); short protein forms T472A, T535A, T510A, T511A.
Identifiers: ClinVar variation 1487955 (VCV001487955.35), dbSNP rs201912073, ClinGen allele CA4600411.

ClinVar aggregate classification (germline): Conflicting classifications of pathogenicity. Review status: criteria provided, conflicting classifications (1 of 4 stars). 5 submissions from 5 submitters: Uncertain significance (2); Likely benign (3). Last evaluated 2026-03-27.

Conditions:
ARHGEF10-related disorder. Also called: ARHGEF10-related condition.

Allele frequency attached by ClinVar (database versions not stated): gnomAD 0.00026 and 0.00028; TOPMed 0.00027; gnomAD exomes 0.00030 and 0.00043; 1000 Genomes Project 30x 0.00031; 1000 Genomes Project 0.00040; ExAC 0.00050; ESP Exome Variant Server 0.00054.
gnomAD v4.1: 489 of 1,613,840 alleles (0.03%); highest among the groups gnomAD compares: Middle Eastern, 0.25%; 1 homozygote.

Submissions (5):

PreventionGenetics, part of Exact Sciences
Classification: Likely benign for ARHGEF10-related condition. Last evaluated: 2026-03-27. Review status: criteria provided, single submitter. Criteria: ACMG Guidelines, 2015. Collection method: clinical testing. Allele origin: germline.
Comment: This variant is classified as likely benign based on ACMG/AMP sequence variant interpretation guidelines (Richards et al. 2015 PMID: 25741868, with internal and published modifications).

Labcorp Genetics (formerly Invitae), Labcorp
Classification: Uncertain significance. Last evaluated: 2026-01-06. Review status: criteria provided, single submitter. Criteria: Invitae Variant Classification Sherloc (09022015). Collection method: clinical testing. Allele origin: germline.
Comment: This sequence change replaces threonine, which is neutral and polar, with alanine, which is neutral and non-polar, at codon 510 of the ARHGEF10 protein (p.Thr510Ala). This variant is present in population databases (rs201912073, gnomAD 0.08%), and has an allele count higher than expected for a pathogenic variant. This missense change has been observed in individual(s) with clinical features of Charcot-Marie-Tooth disease (PMID: 34169998). ClinVar contains an entry for this variant (Variation ID: 1487955). Invitae Evidence Modeling of protein sequence and biophysical properties (such as structural, functional, and spatial information, amino acid conservation, physicochemical variation, residue mobility, and thermodynamic stability) indicates that this missense variant is not expected to disrupt ARHGEF10 protein function with a negative predictive value of 80%. In summary, the available evidence is currently insufficient to determine the role of this variant in disease. Therefore, it has been classified as a Variant of Uncertain Significance.

CeGaT Center for Human Genetics Tuebingen
Classification: Likely benign. Last evaluated: 2025-09-01. Review status: criteria provided, single submitter. Criteria: CeGaT Center For Human Genetics Tuebingen Variant Classification Criteria Version 2. Collection method: clinical testing. Allele origin: germline. Affected: yes. Observed: 2 variant alleles.
Comment: ARHGEF10: BP4, BS1

Blueprint Genetics
Classification: Likely benign. Last evaluated: 2024-11-21. Review status: criteria provided, single submitter. Criteria: ACMG Guidelines, 2015. Collection method: clinical testing. Allele origin: germline.

Breakthrough Genomics
Classification: Uncertain significance. Review status: criteria provided, single submitter. Criteria: ACMG Guidelines, 2015. Collection method: not provided. Allele origin: germline. Inheritance: Autosomal recessive inheritance. Affected: yes.

Literature cited by the submitters: PubMed 34169998 (cited by Labcorp Genetics (formerly Invitae), Labcorp).